The following is an entry in ClinVar:

ClinVar aggregate classification (germline): Uncertain significance (1 of 4 stars; one submission).

Conditions:
Charcot-Marie-Tooth disease axonal type 2O. Also called: CHARCOT-MARIE-TOOTH NEUROPATHY, AXONAL, TYPE 2O; CHARCOT-MARIE-TOOTH DISEASE, AXONAL, AUTOSOMAL DOMINANT, TYPE 2O; Charcot-Marie-Tooth Neuropathy Type 2O; Charcot-Marie-Tooth disease, axonal, type 20. Identifiers: Orphanet 284232, MedGen C3280220, MONDO:0013644, OMIM 614228.

Submission:

Labcorp Genetics (formerly Invitae), Labcorp
Classification: Uncertain significance for Charcot-Marie-Tooth disease axonal type 2O. Last evaluated: 2024-02-24. Review status: criteria provided, single submitter. Criteria: Invitae Variant Classification Sherloc (09022015). Collection method: clinical testing. Allele origin: germline.
Comment: This variant, c.172_174del, results in the deletion of 1 amino acid(s) of the DYNC1H1 protein (p.Glu58del), but otherwise preserves the integrity of the reading frame. This variant is not present in population databases (gnomAD no frequency). This variant has not been reported in the literature in individuals affected with DYNC1H1-related conditions. Experimental studies and prediction algorithms are not available or were not evaluated, and the functional significance of this variant is currently unknown. In summary, the available evidence is currently insufficient to determine the role of this variant in disease. Therefore, it has been classified as a Variant of Uncertain Significance.

NM_001376.5(DYNC1H1):c.169GAG[1] (p.Glu58del)

Gene: DYNC1H1 (dynein cytoplasmic 1 heavy chain 1; plus strand). Cytogenetic location: 14q32.31.
Variant type: Microsatellite.
Coding change: c.169GAG[1] on transcript NM_001376.5 (MANE Select); one copy of the 3-base unit GAG starting at c.169; the reference has two copies in a row; one copy, 3 bases deleted.
Protein change: p.Glu58del; deletes glutamic acid 58.
Molecular consequence: inframe deletion.
Genome position (GRCh38, 1-based): chr14:101,964,863-101,964,865, GAG deleted; deleting any 3 consecutive bases within chr14:101,964,859-101,964,865 gives the same sequence; the position shown is the placement nearest the transcript's 3' end. VCF-style (leftmost placement, unchanged base first): chr14-101964858-TGGA-T. GRCh37 (hg19) VCF-style: chr14-102431195-TGGA-T.
Other names: short protein forms E58del.
Identifiers: ClinVar variation 1369871 (VCV001369871.8), dbSNP rs2141258625, ClinGen allele CA2580613765.
Genomic context (GRCh38, chr14:101,964,858, plus strand): 5'-AGCTGGTGCCGCTGCTGCTGGAGGACGGCGGCGAGGCGCCGGCCGCGCTGGAGGCGGCGC[TGGA>T]GGAGAAGAGCGCCCTGGAGCAGATGCGCAAGTTCCTTTCGGACCCGCAGGTCCACACGGT-3'